The following is an entry in ClinVar:

NM_001099289.3(SH3RF3):c.2050A>G (p.Asn684Asp)

Genes: RANBP2 (RAN binding protein 2; plus strand), SH3RF3 (SH3 domain containing ring finger 3; plus strand). Cytogenetic location: 2q13.
Variant type: single nucleotide variant.
Coding change: c.2050A>G on transcript NM_001099289.3 (MANE Select); coding-DNA position 2050, A replaced by G.
Protein change: p.Asn684Asp; replaces asparagine 684 with aspartic acid.
Molecular consequence: missense variant.
Genome position (GRCh38, 1-based): chr2:109,449,391, A>G. VCF-style: chr2-109449391-A-G. GRCh37 (hg19) VCF-style: chr2-110065847-A-G.
Other names: short protein forms N684D.
Identifiers: ClinVar variation 3953838 (VCV003953838.1).

ClinVar aggregate classification (germline): Uncertain significance (1 of 4 stars; one submission).

gnomAD v4.1: 10 of 1,612,498 alleles (0.00062%); highest among the groups gnomAD compares: African/African-American, 0.0013%; no homozygotes.

Submission:

Ambry Genetics
Classification: Uncertain significance. Last evaluated: 2025-04-24. Review status: criteria provided, single submitter. Criteria: Ambry Variant Classification Scheme 2023. Collection method: clinical testing. Allele origin: germline.
Comment: The c.2050A>G (p.N684D) alteration is located in exon (coding exon ) of the SH3RF3 gene. This alteration results from a A to G substitution at nucleotide position 2050, causing the asparagine (N) at amino acid position 684 to be replaced by an aspartic acid (D). Based on insufficient or conflicting evidence, the clinical significance of this alteration remains unclear.